The following is an entry in ClinVar:

NM_138420.4(AHNAK2):c.3708G>T (p.Val1236=)

Gene: AHNAK2 (AHNAK nucleoprotein 2; minus strand). Cytogenetic location: 14q32.33.
Variant type: single nucleotide variant.
Coding change: c.3708G>T on transcript NM_138420.4 (MANE Select); coding-DNA position 3708, G replaced by T.
Protein change: p.Val1236=; no amino-acid change (valine 1236 retained).
Molecular consequence: synonymous variant.
Genome position (GRCh38, 1-based): chr14:104,951,743, C>A on the plus strand (G>T on the coding strand, the complement: AHNAK2 is on the minus strand). VCF-style: chr14-104951743-C-A. GRCh37 (hg19) VCF-style: chr14-105418080-C-A.
Other names: c.3408G>T, p.Val1136= (NM_001350929.2).
Identifiers: ClinVar variation 2644840 (VCV002644840.24), dbSNP rs546876487, ClinGen allele CA7382827.

ClinVar aggregate classification (germline): Likely benign (1 of 4 stars; one submission).

Allele frequency attached by ClinVar (database versions not stated): ExAC 0.00007; gnomAD exomes 0.00060; 1000 Genomes Project 0.01078; 1000 Genomes Project 30x 0.02405.

Submission:

CeGaT Center for Human Genetics Tuebingen
Classification: Likely benign. Last evaluated: 2022-11-01. Review status: criteria provided, single submitter. Criteria: CeGaT Center For Human Genetics Tuebingen Variant Classification Criteria Version 2. Collection method: clinical testing. Allele origin: germline. Affected: yes. Observed: 1 variant allele.
Comment: AHNAK2: BP4, BP7